The following is an entry in ClinVar:

NM_000237.3(LPL):c.89-10del

Gene: LPL (lipoprotein lipase; plus strand). Cytogenetic location: 8p21.3.
Variant type: Deletion.
Coding change: c.89-10del on transcript NM_000237.3 (MANE Select); 10 bases into the intron before coding-DNA position 89, one base deleted (T; older notation c.89-10delT).
Molecular consequence: intron variant.
Genome position (GRCh38, 1-based): chr8:19,948,170, T deleted; the last of 5 consecutive T bases (chr8:19,948,166-19,948,170); deleting any one gives the same sequence. VCF-style (leftmost placement, unchanged base first): chr8-19948165-AT-A. GRCh37 (hg19) VCF-style: chr8-19805676-AT-A.
Other names: c.89-10delT (NM_000237.2, NM_000237.3).
Identifiers: ClinVar variation 495745 (VCV000495745.10), dbSNP rs547644955, ClinGen allele CA4655313.

ClinVar aggregate classification (germline): Benign. Review status: criteria provided, multiple submitters, no conflicts (2 of 4 stars). 2 submissions from 2 submitters: Benign (2). Last evaluated 2026-02-02.

Submissions (2):

Labcorp Genetics (formerly Invitae), Labcorp
Classification: Benign. Last evaluated: 2026-02-02. Review status: criteria provided, single submitter. Criteria: Invitae Variant Classification Sherloc (09022015). Collection method: clinical testing. Allele origin: germline.

Women's Health and Genetics/Laboratory Corporation of America, LabCorp
Classification: Benign. Last evaluated: 2024-07-29. Review status: criteria provided, single submitter. Criteria: LabCorp Variant Classification Summary - May 2015. Collection method: clinical testing. Allele origin: germline.
Comment: Variant summary: LPL c.89-10delT alters a nucleotide located at a position not widely known to affect splicing. Consensus agreement among computation tools predict no significant impact on normal splicing. However, these predictions have yet to be confirmed by functional studies. The variant allele was found at a frequency of 0.00094 in 251464 control chromosomes, predominantly at a frequency of 0.013 within the African or African-American subpopulation in the gnomAD database, including 2 homozygotes. The observed variant frequency within African or African-American control individuals in the gnomAD database is approximately 4 fold of the estimated maximal expected allele frequency for a pathogenic variant in LPL causing Familial Lipoprotein Lipase Deficiency phenotype (0.0034). To our knowledge, no occurrence of c.89-10delT in individuals affected with Familial Lipoprotein Lipase Deficiency and no experimental evidence demonstrating its impact on protein function have been reported. ClinVar contains an entry for this variant (Variation ID: 495745). Based on the evidence outlined above, the variant was classified as benign.